The following is an entry in ClinVar:

ClinVar aggregate classification (germline): Uncertain significance (1 of 4 stars; one submission).

Submission:

Labcorp Genetics (formerly Invitae), Labcorp
Classification: Uncertain significance. Last evaluated: 2025-10-20. Review status: criteria provided, single submitter. Criteria: Invitae Variant Classification Sherloc (09022015). Collection method: clinical testing. Allele origin: germline.
Comment: This variant, c.465_467del, results in the deletion of 1 amino acid(s) of the HELLS protein (p.Lys156del), but otherwise preserves the integrity of the reading frame. This variant is present in population databases (rs748982997, gnomAD 0.003%). This variant has not been reported in the literature in individuals affected with HELLS-related conditions. ClinVar contains an entry for this variant (Variation ID: 1471236). Experimental studies and prediction algorithms are not available or were not evaluated, and the functional significance of this variant is currently unknown. In summary, the available evidence is currently insufficient to determine the role of this variant in disease. Therefore, it has been classified as a Variant of Uncertain Significance.

NM_018063.5(HELLS):c.465_467del (p.Lys156del)

Gene: HELLS (helicase, lymphoid specific; plus strand). Cytogenetic location: 10q23.33.
Variant type: Deletion.
Coding change: c.465_467del on transcript NM_018063.5 (MANE Select); coding-DNA positions 465 to 467, 3 bases deleted (AAA; older notation c.465_467delAAA).
Protein change: p.Lys156del; deletes lysine 156.
Molecular consequence: inframe deletion. On other transcripts: 5 prime UTR variant (2).
Genome position (GRCh38, 1-based): chr10:94,571,417-94,571,419, AAA deleted; deleting any 3 consecutive bases within chr10:94,571,415-94,571,419 gives the same sequence; the c. name uses the placement nearest the transcript's 3' end. VCF-style (leftmost placement, unchanged base first): chr10-94571414-TAAA-T. GRCh37 (hg19) VCF-style: chr10-96331171-TAAA-T.
Other names: c.465_467del, p.Lys156del (NM_001289067.2, NM_001289069.2, NM_001289070.2 and 1 more transcripts); c.417_419del, p.Lys140del (NM_001289068.2); c.93_95del, p.Lys32del (NM_001289071.2); c.51_53del, p.Lys18del (NM_001289073.2); c.-538_-536del (NM_001289074.2); c.-557_-555del (NM_001289075.2); short protein forms K140del, K156del, K18del, K32del.
Identifiers: ClinVar variation 1471236 (VCV001471236.8), dbSNP rs748982997, ClinGen allele CA5615291.